The following is an entry in ClinVar:

NM_001005242.3(PKP2):c.994C>A (p.Leu332Met)

Gene: PKP2 (plakophilin 2; minus strand). Cytogenetic location: 12p11.21.
Variant type: single nucleotide variant.
Coding change: c.994C>A on transcript NM_001005242.3 (MANE Select); coding-DNA position 994, C replaced by A.
Protein change: p.Leu332Met; replaces leucine 332 with methionine.
Molecular consequence: missense variant.
Genome position (GRCh38, 1-based): chr12:32,877,886, G>T on the plus strand (C>A on the coding strand, the complement: PKP2 is on the minus strand). VCF-style: chr12-32877886-G-T. GRCh37 (hg19) VCF-style: chr12-33030820-G-T.
Other names: c.994C>A, p.Leu332Met (NM_001407155.1, NM_001407156.1, NM_001407157.1 and 2 more transcripts); c.667C>A, p.Leu223Met (NM_001407158.1, NM_001407159.1, NM_001407160.1 and 1 more transcripts); short protein forms L223M, L332M.
Identifiers: ClinVar variation 3387491 (VCV003387491.1).

ClinVar aggregate classification (germline): Uncertain significance (1 of 4 stars; one submission).

Conditions:
Arrhythmogenic right ventricular cardiomyopathy (ARVD). Also called: Arrhythmogenic right ventricular dysplasia; Cardiomyopathy, ARVC; Arrhythmogenic cardiomyopathy; Arrhythmogenic Right Ventricular Cardiomyopathy (ARVC). Identifiers: Orphanet 247, MedGen C0349788, MeSH D019571, MONDO:0016587. Disease mechanism: loss of function. Inheritance: Various modes of inheritance.

Submission:

All of Us Research Program, National Institutes of Health
Classification: Uncertain significance for Arrhythmogenic right ventricular cardiomyopathy. Last evaluated: 2024-06-09. Review status: criteria provided, single submitter. Criteria: ACMG Guidelines, 2015. Collection method: clinical testing. Allele origin: germline. Inheritance: Autosomal dominant inheritance. Observed: 1 variant allele, 1 heterozygote.
Comment: This missense variant replaces leucine with methionine at codon 332 of the PKP2 protein. Computational prediction suggests that this variant may not impact protein structure and function (internally defined REVEL score threshold <= 0.5, PMID: 27666373). To our knowledge, functional studies have not been reported for this variant. This variant has not been reported in individuals affected with PKP2-related disorders in the literature. This variant has not been identified in the general population by the Genome Aggregation Database (gnomAD). The available evidence is insufficient to determine the role of this variant in disease conclusively. Therefore, this variant is classified as a Variant of Uncertain Significance.

This study involves interpretation of variants in research participants for the purpose of population health screening. Participant phenotype was not available at the time of variant classification. Additional details can be found in publication PMID: 35346344, PMCID: PMC8962531